The following is an entry in ClinVar:

NM_016734.3(PAX5):c.712G>A (p.Asp238Asn)

Gene: PAX5 (paired box 5; minus strand). Cytogenetic location: 9p13.2.
Variant type: single nucleotide variant.
Coding change: c.712G>A on transcript NM_016734.3 (MANE Select); coding-DNA position 712, G replaced by A.
Protein change: p.Asp238Asn; replaces aspartic acid 238 with asparagine.
Molecular consequence: missense variant. On other transcripts: non-coding transcript variant (2).
Genome position (GRCh38, 1-based): chr9:36,966,617, C>T on the plus strand (G>A on the coding strand, the complement: PAX5 is on the minus strand). VCF-style: chr9-36966617-C-T. GRCh37 (hg19) VCF-style: chr9-36966614-C-T.
Other names: c.712G>A, p.Asp238Asn (NM_001280547.2, NM_001280548.2, NM_001280549.2 and 2 more transcripts); c.388G>A, p.Asp130Asn (NM_001280551.2, NM_001280556.2); c.583G>A, p.Asp195Asn (NM_001280553.2, NM_001280554.2); c.514G>A, p.Asp172Asn (NM_001280555.2); short protein forms D172N, D238N, D130N, D195N.
Identifiers: ClinVar variation 4131424 (VCV004131424.1).

ClinVar aggregate classification (germline): Uncertain significance (1 of 4 stars; one submission).

Conditions:
Inborn genetic diseases. Identifiers: MedGen C0950123, MeSH D030342.

gnomAD v4.1: 1 of 1,614,214 alleles (0.000062%); highest among the groups gnomAD compares: Non-Finnish European, 0.000085%; no homozygotes.

Submission:

Ambry Genetics
Classification: Uncertain significance for Inborn genetic diseases. Last evaluated: 2025-08-07. Review status: criteria provided, single submitter. Criteria: Ambry Variant Classification Scheme 2023. Collection method: clinical testing. Allele origin: germline.
Comment: The p.D238N variant (also known as c.712G>A), located in coding exon 6 of the PAX5 gene, results from a G to A substitution at nucleotide position 712. The aspartic acid at codon 238 is replaced by asparagine, an amino acid with highly similar properties. This amino acid position is conserved. In addition, the in silico prediction for this alteration is inconclusive. Based on the available evidence, the clinical significance of this variant remains unclear.